The following is an entry in ClinVar:

NM_152743.4(BRAT1):c.577G>A (p.Ala193Thr)

Gene: BRAT1 (BRCA1 associated ATM activator 1; minus strand). Cytogenetic location: 7p22.3.
Variant type: single nucleotide variant.
Coding change: c.577G>A on transcript NM_152743.4 (MANE Select); coding-DNA position 577, G replaced by A.
Protein change: p.Ala193Thr; replaces alanine 193 with threonine.
Molecular consequence: missense variant. On other transcripts: non-coding transcript variant (1).
Genome position (GRCh38, 1-based): chr7:2,543,816, C>T on the plus strand (G>A on the coding strand, the complement: BRAT1 is on the minus strand). VCF-style: chr7-2543816-C-T. GRCh37 (hg19) VCF-style: chr7-2583450-C-T.
Other names: c.577G>A, p.Ala193Thr (NM_001350626.2); c.52G>A, p.Ala18Thr (NM_001350627.2); short protein forms A193T, A18T.
Identifiers: ClinVar variation 836285 (VCV000836285.10), dbSNP rs757264014, ClinGen allele CA152671837.
Genomic context (GRCh38, chr7:2,543,816, plus strand): 5'-TGGGGGTGGCCGCGGAGCACAAGGACTCTTCAACGTGATCCATGATCTTCTGGGCACACG[C>T]GGGCCAGTCACCCCCCGGCAGGCAGGGCTGCCCCTCGGCTCCACCTCGCATGGACAAAGC-3'
Protein context (NP_689956.2, residues 183-203): QPCLPGGDWP[Ala193Thr]CAQKIMDHVE

ClinVar aggregate classification (germline): Conflicting classifications of pathogenicity. Review status: criteria provided, conflicting classifications (1 of 4 stars). 2 submissions from 2 submitters: Uncertain significance (1); Likely benign (1). Last evaluated 2026-01-13.

Conditions:
Inborn genetic diseases. Identifiers: MedGen C0950123, MeSH D030342.
Neonatal-onset encephalopathy with rigidity and seizures. Also called: Lethal neonatal spasticity-epileptic encephalopathy syndrome. Identifiers: Orphanet 435845, MedGen C3281029, MONDO:0013784, OMIM 614498.

Allele frequency attached by ClinVar (database versions not stated): gnomAD exomes 0.00001; TOPMed 0.00001; gnomAD 0.00002.
gnomAD v4.1: 22 of 1,612,840 alleles (0.0014%); highest among the groups gnomAD compares: African/African-American, 0.004%; no homozygotes.

Submissions (2):

Labcorp Genetics (formerly Invitae), Labcorp
Classification: Uncertain significance for Neonatal-onset encephalopathy with rigidity and seizures. Last evaluated: 2026-01-13. Review status: criteria provided, single submitter. Criteria: Invitae Variant Classification Sherloc (09022015). Collection method: clinical testing. Allele origin: germline.
Comment: This sequence change replaces alanine, which is neutral and non-polar, with threonine, which is neutral and polar, at codon 193 of the BRAT1 protein (p.Ala193Thr). This variant is present in population databases (rs757264014, gnomAD 0.008%). This variant has not been reported in the literature in individuals affected with BRAT1-related conditions. ClinVar contains an entry for this variant (Variation ID: 836285). Invitae Evidence Modeling of protein sequence and biophysical properties (such as structural, functional, and spatial information, amino acid conservation, physicochemical variation, residue mobility, and thermodynamic stability) indicates that this missense variant is not expected to disrupt BRAT1 protein function with a negative predictive value of 95%. In summary, the available evidence is currently insufficient to determine the role of this variant in disease. Therefore, it has been classified as a Variant of Uncertain Significance.

Ambry Genetics
Classification: Likely benign for Inborn genetic diseases. Last evaluated: 2024-10-29. Review status: criteria provided, single submitter. Criteria: Ambry Variant Classification Scheme 2023. Collection method: clinical testing. Allele origin: germline.